The following is an entry in ClinVar:

ClinVar aggregate classification (germline): Uncertain significance (1 of 4 stars; one submission).

Submission:

Ambry Genetics
Classification: Uncertain significance. Last evaluated: 2024-11-02. Review status: criteria provided, single submitter. Criteria: Ambry Variant Classification Scheme 2023. Collection method: clinical testing. Allele origin: germline.
Comment: The p.K432E variant (also known as c.1294A>G), located in coding exon 12 of the KIF1B gene, results from an A to G substitution at nucleotide position 1294. The lysine at codon 432 is replaced by glutamic acid, an amino acid with similar properties. This amino acid position is conserved. In addition, the in silico prediction for this alteration is inconclusive. Based on the available evidence, the clinical significance of this variant remains unclear.

NM_001365951.3(KIF1B):c.1432A>G (p.Lys478Glu)

Gene: KIF1B (kinesin family member 1B; plus strand). Cytogenetic location: 1p36.22.
Variant type: single nucleotide variant.
Coding change: c.1432A>G on transcript NM_001365951.3 (MANE Select); coding-DNA position 1432, A replaced by G.
Protein change: p.Lys478Glu; replaces lysine 478 with glutamic acid.
Molecular consequence: missense variant.
Genome position (GRCh38, 1-based): chr1:10,282,531, A>G. VCF-style: chr1-10282531-A-G. GRCh37 (hg19) VCF-style: chr1-10342589-A-G.
Other names: c.1432A>G, p.Lys478Glu (NM_001365952.1); c.1294A>G, p.Lys432Glu (NM_001365953.1, NM_015074.3, NM_183416.4); short protein forms K432E, K478E.
Identifiers: ClinVar variation 3534068 (VCV003534068.1).
Genomic context (GRCh38, chr1:10,282,531, plus strand): 5'-ACCAGTATTCAAGAGAGGATCATGTCTACACCTGGAGGAGAGGAAGCTATTGAACGTTTA[A>G]AGGTAAGTAATAGTTCAGACTGAATACAAGGTATTCTATGTAGCTCCACAAGGAAGAACT-3'
Protein context (NP_001352880.1, residues 468-488): PGGEEAIERL[Lys478Glu]ESEKIIAELN